The following is an entry in ClinVar:

ClinVar aggregate classification (germline): Uncertain significance (1 of 4 stars; one submission).

Conditions:
Bardet-Biedl syndrome (BBS). Identifiers: Orphanet 110, MedGen C0752166, MONDO:0015229.

Allele frequency attached by ClinVar (database versions not stated): gnomAD exomes below 0.00001.
gnomAD v4.1: 4 of 1,614,040 alleles (0.00025%); highest among the groups gnomAD compares: Admixed American, 0.0017%; no homozygotes.

Submission:

Labcorp Genetics (formerly Invitae), Labcorp
Classification: Uncertain significance for Bardet-Biedl syndrome. Last evaluated: 2022-06-27. Review status: criteria provided, single submitter. Criteria: Invitae Variant Classification Sherloc (09022015). Collection method: clinical testing. Allele origin: germline.
Comment: This sequence change replaces tyrosine, which is neutral and polar, with cysteine, which is neutral and slightly polar, at codon 658 of the BBS10 protein (p.Tyr658Cys). In summary, the available evidence is currently insufficient to determine the role of this variant in disease. Therefore, it has been classified as a Variant of Uncertain Significance. Algorithms developed to predict the effect of missense changes on protein structure and function are either unavailable or do not agree on the potential impact of this missense change (SIFT: "Deleterious"; PolyPhen-2: "Probably Damaging"; Align-GVGD: "Class C15"). ClinVar contains an entry for this variant (Variation ID: 1014169). This variant has not been reported in the literature in individuals affected with BBS10-related conditions. This variant is present in population databases (no rsID available, gnomAD 0.003%).

NM_024685.4(BBS10):c.1973A>G (p.Tyr658Cys)

Gene: BBS10 (Bardet-Biedl syndrome 10; minus strand). Cytogenetic location: 12q21.2.
Variant type: single nucleotide variant.
Coding change: c.1973A>G on transcript NM_024685.4 (MANE Select); coding-DNA position 1973, A replaced by G.
Protein change: p.Tyr658Cys; replaces tyrosine 658 with cysteine.
Molecular consequence: missense variant.
Genome position (GRCh38, 1-based): chr12:76,346,012, T>C on the plus strand (A>G on the coding strand, the complement: BBS10 is on the minus strand). VCF-style: chr12-76346012-T-C. GRCh37 (hg19) VCF-style: chr12-76739792-T-C.
Other names: short protein forms Y658C.
Identifiers: ClinVar variation 1014169 (VCV001014169.7), dbSNP rs886049848, ClinGen allele CA385808694.